The following is an entry in ClinVar:

NM_001077653.2(TBX20):c.545+5G>A

Gene: TBX20 (T-box transcription factor 20; minus strand). Cytogenetic location: 7p14.2.
Variant type: single nucleotide variant.
Coding change: c.545+5G>A on transcript NM_001077653.2 (MANE Select); 5 bases into the intron after coding-DNA position 545, G replaced by A.
Molecular consequence: intron variant.
Genome position (GRCh38, 1-based): chr7:35,248,672, C>T on the plus strand (G>A on the coding strand, the complement: TBX20 is on the minus strand). VCF-style: chr7-35248672-C-T. GRCh37 (hg19) VCF-style: chr7-35288284-C-T.
Other names: c.545+5G>A (NM_001166220.1).
Identifiers: ClinVar variation 2663504 (VCV002663504.5), dbSNP rs2546996336, ClinGen allele CA2695198471.

ClinVar aggregate classification (germline): Uncertain significance. Review status: criteria provided, multiple submitters, no conflicts (2 of 4 stars). 3 submissions from 3 submitters: Uncertain significance (3). Last evaluated 2024-05-04.

Conditions:
Left ventricular noncompaction. Identifiers: Orphanet 54260, MedGen C1960469, MONDO:0018901, HP:0030682.

Submissions (3):

Labcorp Genetics (formerly Invitae), Labcorp
Classification: Uncertain significance. Last evaluated: 2024-05-04. Review status: criteria provided, single submitter. Criteria: Invitae Variant Classification Sherloc (09022015). Collection method: clinical testing. Allele origin: germline.
Comment: This sequence change falls in intron 3 of the TBX20 gene. It does not directly change the encoded amino acid sequence of the TBX20 protein. It affects a nucleotide within the consensus splice site. This variant is not present in population databases (gnomAD no frequency). This variant has not been reported in the literature in individuals affected with TBX20-related conditions. ClinVar contains an entry for this variant (Variation ID: 2663504). Variants that disrupt the consensus splice site are a relatively common cause of aberrant splicing (PMID: 17576681, 9536098). Algorithms developed to predict the effect of sequence changes on RNA splicing suggest that this variant may disrupt the consensus splice site. In summary, the available evidence is currently insufficient to determine the role of this variant in disease. Therefore, it has been classified as a Variant of Uncertain Significance.

KardioGenetik, Herz- und Diabeteszentrum NRW
Classification: Uncertain significance for Left ventricular noncompaction. Last evaluated: 2024-02-12. Review status: criteria provided, single submitter. Criteria: ACMG Guidelines, 2015. Collection method: clinical testing. Allele origin: unknown. Observed: 1 variant allele.

GeneDx
Classification: Uncertain significance. Last evaluated: 2023-04-17. Review status: criteria provided, single submitter. Criteria: GeneDx Variant Classification Process June 2021. Collection method: clinical testing. Allele origin: germline. Affected: yes.
Comment: Has not been previously published as pathogenic or benign to our knowledge; Not observed at significant frequency in large population cohorts (gnomAD); In silico analysis is inconclusive as to whether the variant alters gene splicing. In the absence of RNA/functional studies, the actual effect of this sequence change is unknown.

Literature cited by the submitters: PubMed 17576681 (cited by Labcorp Genetics (formerly Invitae), Labcorp); PubMed 9536098 (cited by Labcorp Genetics (formerly Invitae), Labcorp).